The following is an entry in ClinVar:

ClinVar aggregate classification (germline): Benign. Review status: criteria provided, multiple submitters, no conflicts (2 of 4 stars). 2 submissions from 2 submitters: Benign (2). Last evaluated 2018-06-16.

Allele frequency attached by ClinVar (database versions not stated): TOPMed 0.07061; gnomAD 0.07410 and 0.07888; 1000 Genomes Project 30x 0.10743; 1000 Genomes Project 0.11322.
gnomAD v4.1: 95,604 of 1,148,602 alleles (8.3%); highest among the groups gnomAD compares: South Asian, 20%; 5,218 homozygotes.

Submissions (2):

GeneDx
Classification: Benign. Last evaluated: 2018-06-16. Review status: criteria provided, single submitter. Criteria: GeneDx Variant Classification (06012015). Collection method: clinical testing. Allele origin: germline. Affected: yes.
Comment: This variant is considered likely benign or benign based on one or more of the following criteria: it is a conservative change, it occurs at a poorly conserved position in the protein, it is predicted to be benign by multiple in silico algorithms, and/or has population frequency not consistent with disease.

Breakthrough Genomics
Classification: Benign. Review status: criteria provided, single submitter. Criteria: ACMG Guidelines, 2015. Collection method: not provided. Allele origin: germline. Inheritance: Autosomal recessive inheritance. Affected: yes.

NM_002633.3(PGM1):c.556+103G>A

Gene: PGM1 (phosphoglucomutase 1; plus strand). Cytogenetic location: 1p31.3.
Variant type: single nucleotide variant.
Coding change: c.556+103G>A on transcript NM_002633.3 (MANE Select); 103 bases into the intron after coding-DNA position 556, G replaced by A.
Molecular consequence: intron variant.
Genome position (GRCh38, 1-based): chr1:63,630,191, G>A. VCF-style: chr1-63630191-G-A. GRCh37 (hg19) VCF-style: chr1-64095862-G-A.
Other names: c.-36+103G>A (NM_001172819.2); c.610+103G>A (NM_001172818.1).
Identifiers: ClinVar variation 676177 (VCV000676177.2), dbSNP rs72681118, ClinGen allele CA10902734.